The following is an entry in ClinVar:

ClinVar aggregate classification (germline): Benign/Likely benign. Review status: criteria provided, multiple submitters, no conflicts (2 of 4 stars). 10 submissions from 10 submitters: Benign (1); Likely benign (9). Last evaluated 2026-02-01.

Conditions:
Hereditary cancer-predisposing syndrome. Also called: Neoplastic Syndromes, Hereditary; Hereditary neoplastic syndrome; Tumor predisposition; Hereditary Cancer Syndrome. Identifiers: Orphanet 140162, MedGen C0027672, MeSH D009386, MONDO:0015356.
Familial cancer of breast. Also called: hereditary breast carcinoma; Hereditary breast cancer; BREAST CANCER, FAMILIAL. Identifiers: Orphanet 227535, MedGen C0346153, MONDO:0016419, OMIM 114480. Disease mechanism: loss of function.
Hereditary breast ovarian cancer syndrome. Also called: BRCA1- and BRCA2-Associated Hereditary Breast and Ovarian Cancer; Hereditary breast and/or ovarian cancer syndrome; Hereditary breast and ovarian cancer syndrome (HBOC); Hereditary breast and ovarian cancer syndrome; Hereditary breast and ovarian cancer; Breast and ovarian cancer. Identifiers: Orphanet 145, MedGen C0677776, MeSH D061325, MONDO:0003582. Disease mechanism: loss of function.
Ataxia-telangiectasia syndrome (AT). Also called: Ataxia telangiectasia (A-T); Cerebello-oculocutaneous telangiectasia; Immunodeficiency with ataxia telangiectasia; LOUIS-BAR SYNDROME; AT, COMPLEMENTATION GROUP C; ATAXIA-TELANGIECTASIA, FRESNO VARIANT. Identifiers: Orphanet 100, MedGen C0004135, MONDO:0008840, OMIM 208900.

Allele frequency attached by ClinVar (database versions not stated): gnomAD below 0.00001 and 0.00009; TOPMed 0.00002; gnomAD exomes 0.00006 and 0.00010; ExAC 0.00012.
gnomAD v4.1: 107 of 1,614,162 alleles (0.0066%); highest among the groups gnomAD compares: South Asian, 0.11%; 1 homozygote.

Submissions (10):

CeGaT Center for Human Genetics Tuebingen
Classification: Likely benign. Last evaluated: 2026-02-01. Review status: criteria provided, single submitter. Criteria: CeGaT Center For Human Genetics Tuebingen Variant Classification Criteria Version 2. Collection method: clinical testing. Allele origin: germline. Affected: yes. Observed: 1 variant allele.
Comment: ATM: BP4, BP7

Labcorp Genetics (formerly Invitae), Labcorp
Classification: Likely benign for Ataxia-telangiectasia syndrome. Last evaluated: 2026-01-11. Review status: criteria provided, single submitter. Criteria: Invitae Variant Classification Sherloc (09022015). Collection method: clinical testing. Allele origin: germline.

Mayo Clinic Laboratories, Mayo Clinic
Classification: Likely benign. Last evaluated: 2025-10-12. Review status: criteria provided, single submitter. Criteria: ACMG Guidelines, 2015. Collection method: clinical testing. Allele origin: germline. Observed: 1 variant allele.
Comment: BP4, BP7

Myriad Genetics, Inc.
Classification: Benign for Familial cancer of breast. Last evaluated: 2024-06-13. Review status: criteria provided, single submitter. Criteria: Myriad Autosomal Dominant, Autosomal Recessive and X-Linked Classification Criteria (2023). Collection method: clinical testing. Allele origin: unknown.
Comment: This variant is considered benign. This variant is a silent/synonymous amino acid change and it is not expected to impact splicing.

Institute for Biomarker Research, Medical Diagnostic Laboratories, L.L.C.
Classification: Likely benign for Hereditary cancer-predisposing syndrome. Last evaluated: 2024-02-20. Review status: criteria provided, single submitter. Criteria: ACMG Guidelines, 2015. Collection method: clinical testing. Allele origin: germline.

Blueprint Genetics
Classification: Likely benign. Last evaluated: 2023-10-19. Review status: criteria provided, single submitter. Criteria: ACMG Guidelines, 2015. Collection method: clinical testing. Allele origin: germline.

National Health Laboratory Service, Universitas Academic Hospital and University of the Free State
Classification: Likely benign for Hereditary breast ovarian cancer syndrome. Last evaluated: 2022-04-19. Review status: criteria provided, single submitter. Criteria: ACMG Guidelines, 2015. Collection method: clinical testing. Allele origin: germline. Affected: yes. Observed: 2 variant alleles.

GeneDx
Classification: Likely benign. Last evaluated: 2018-05-08. Review status: criteria provided, single submitter. Criteria: GeneDx Variant Classification Process June 2021. Collection method: clinical testing. Allele origin: germline. Affected: yes.

Color Diagnostics, LLC DBA Color Health
Classification: Likely benign for Hereditary cancer-predisposing syndrome. Last evaluated: 2017-03-08. Review status: criteria provided, single submitter. Criteria: ACMG Guidelines, 2015. Collection method: clinical testing. Allele origin: germline.

Ambry Genetics
Classification: Likely benign for Hereditary cancer-predisposing syndrome. Last evaluated: 2016-12-26. Review status: criteria provided, single submitter. Criteria: Ambry Variant Classification Scheme 2023. Collection method: clinical testing. Allele origin: germline.

NM_000051.4(ATM):c.7140A>G (p.Arg2380=)

Genes: ATM (ATM serine/threonine kinase; plus strand), C11orf65 (chromosome 11 open reading frame 65; minus strand). Cytogenetic location: 11q22.3.
Variant type: single nucleotide variant.
Coding change: c.7140A>G on transcript NM_000051.4 (MANE Select); coding-DNA position 7140, A replaced by G.
Protein change: p.Arg2380=; no amino-acid change (arginine 2380 retained).
Molecular consequence: synonymous variant. On other transcripts: intron variant (2).
Genome position (GRCh38, 1-based): chr11:108,329,071, A>G. VCF-style: chr11-108329071-A-G. GRCh37 (hg19) VCF-style: chr11-108199798-A-G.
Other names: NP_000042.3:p.Arg2380=; p.Arg2380=; c.7140A>G, p.Arg2380= (NM_001351834.2); c.641-20000T>C (NM_001330368.2); c.*38+6149T>C (NM_001351110.2).
Identifiers: ClinVar variation 236765 (VCV000236765.28), dbSNP rs750569023, ClinGen allele CA6266073.